The following is an entry in ClinVar:

ClinVar aggregate classification (germline): Likely pathogenic (1 of 4 stars; one submission).

Submission:

GeneDx
Classification: Likely pathogenic. Last evaluated: 2013-05-17. Review status: criteria provided, single submitter. Criteria: GeneDx Variant Classification (06012015). Collection method: clinical testing. Allele origin: germline. Affected: yes.
Comment: p.Lys276Ile (AAA>ATA): c.827 A>T in exon 6 of the SCN1A gene (NM_001165963.1) The Lys276Ile missense change has not been published as a mutation, nor has it been reported as a benign polymorphism to our knowledge. It was not observed in approximately 6,500 individuals of European and African American ancestry in the NHLBI Exome Sequencing Project, indicating it is not a common benign variant in these populations. The amino acid substitution is non-conservative, as a positively charged Lysine residue is replaced by an uncharged, non-polar Isoleucine residue. It alters a highly conserved position in the pore loop between the S5 and S6 segments of the first transmembrane domain, and many other missense mutations have been reported in this region of the protein in association with epilepsy. Additionally, multiple in silico algorithms predict Lys276Ile may be damaging to protein structure/function. Therefore, based on the currently available information, Lys276Ile is a strong candidate for a disease-causing mutation, although the possibility that it is a benign variant cannot be excluded. The variant is found in EPILEPSY panel(s).

NM_001165963.4(SCN1A):c.827A>T (p.Lys276Ile)

Gene: SCN1A (sodium voltage-gated channel alpha subunit 1; minus strand). Cytogenetic location: 2q24.3.
Variant type: single nucleotide variant.
Coding change: c.827A>T on transcript NM_001165963.4 (MANE Select); coding-DNA position 827, A replaced by T.
Protein change: p.Lys276Ile; replaces lysine 276 with isoleucine.
Molecular consequence: missense variant. On other transcripts: 5 prime UTR variant (1), non-coding transcript variant (1).
Genome position (GRCh38, 1-based): chr2:166,051,856, T>A on the plus strand (A>T on the coding strand, the complement: SCN1A is on the minus strand). VCF-style: chr2-166051856-T-A. GRCh37 (hg19) VCF-style: chr2-166908366-T-A.
Other names: p.K276I:AAA>ATA; c.827A>T, p.Lys276Ile (NM_001165964.3, NM_001202435.3, NM_001353948.2 and 10 more transcripts); c.-1599A>T (NM_001353961.2); short protein forms K276I.
Identifiers: ClinVar variation 206749 (VCV000206749.2), dbSNP rs796052963, ClinGen allele CA317164.